The following is an entry in ClinVar:

ClinVar aggregate classification (germline): Conflicting classifications of pathogenicity. Review status: criteria provided, conflicting classifications (1 of 4 stars). 2 submissions from 2 submitters: Pathogenic (1); Uncertain significance (1). Last evaluated 2024-06-03.

Conditions:
Andersen Tawil syndrome (LQT7). Also called: ANDERSEN CARDIODYSRHYTHMIC PERIODIC PARALYSIS; Andersen Syndrome; Potassium-sensitive periodic paralysis, ventricular ectopy, and dysmorphic features; LONG QT SYNDROME 7; PERIODIC PARALYSIS, POTASSIUM-SENSITIVE CARDIODYSRHYTHMIC TYPE. Identifiers: Orphanet 37553, MedGen C1563715, MONDO:0008222, OMIM 170390.
Short QT syndrome type 3. Identifiers: Orphanet 51083, MedGen C1865018, MONDO:0012314, OMIM 609622.

Submissions (2):

GeneDx
Classification: Pathogenic. Last evaluated: 2024-06-03. Review status: criteria provided, single submitter. Criteria: GeneDx Variant Classification Process June 2021. Collection method: clinical testing. Allele origin: germline. Affected: yes.
Comment: Not observed at significant frequency in large population cohorts (gnomAD); In silico analysis supports that this missense variant has a deleterious effect on protein structure/function; Has not been previously published as pathogenic or benign to our knowledge; This variant is associated with the following publications: (PMID: 20382953)

Labcorp Genetics (formerly Invitae), Labcorp
Classification: Uncertain significance for Short QT syndrome type 3; Andersen Tawil syndrome. Last evaluated: 2023-11-27. Review status: criteria provided, single submitter. Criteria: Invitae Variant Classification Sherloc (09022015). Collection method: clinical testing. Allele origin: germline.
Comment: This sequence change replaces glycine, which is neutral and non-polar, with valine, which is neutral and non-polar, at codon 144 of the KCNJ2 protein (p.Gly144Val). This variant is not present in population databases (gnomAD no frequency). This variant has not been reported in the literature in individuals affected with KCNJ2-related conditions. Advanced modeling of protein sequence and biophysical properties (such as structural, functional, and spatial information, amino acid conservation, physicochemical variation, residue mobility, and thermodynamic stability) performed at Invitae indicates that this missense variant is expected to disrupt KCNJ2 protein function with a positive predictive value of 80%. This variant disrupts the p.Gly144 amino acid residue in KCNJ2. Other variant(s) that disrupt this residue have been determined to be pathogenic (PMID: 20382953, 22589293). This suggests that this residue is clinically significant, and that variants that disrupt this residue are likely to be disease-causing. In summary, the available evidence is currently insufficient to determine the role of this variant in disease. Therefore, it has been classified as a Variant of Uncertain Significance.

Literature cited by the submitters: PubMed 20382953 (cited by Labcorp Genetics (formerly Invitae), Labcorp); PubMed 22589293 (cited by Labcorp Genetics (formerly Invitae), Labcorp).

NM_000891.3(KCNJ2):c.431G>T (p.Gly144Val)

Gene: KCNJ2 (potassium inwardly rectifying channel subfamily J member 2; plus strand). Cytogenetic location: 17q24.3.
Variant type: single nucleotide variant.
Coding change: c.431G>T on transcript NM_000891.3 (MANE Select); coding-DNA position 431, G replaced by T.
Protein change: p.Gly144Val; replaces glycine 144 with valine.
Molecular consequence: missense variant.
Genome position (GRCh38, 1-based): chr17:70,175,470, G>T. VCF-style: chr17-70175470-G-T. GRCh37 (hg19) VCF-style: chr17-68171611-G-T.
Other names: short protein forms G144V.
Identifiers: ClinVar variation 2951918 (VCV002951918.4), dbSNP rs199473377, ClinGen allele CA400860583.